The following is an entry in ClinVar:

ClinVar aggregate classification (germline): Likely benign (1 of 4 stars; one submission).

Conditions:
DBH-related disorder. Also called: DBH-related condition.

gnomAD v4.1: 15 of 1,608,402 alleles (0.00093%); highest among the groups gnomAD compares: Middle Eastern, 0.15%; no homozygotes.

Submission:

PreventionGenetics, part of Exact Sciences
Classification: Likely benign for DBH-related condition. Last evaluated: 2026-07-09. Review status: criteria provided, single submitter. Criteria: ACMG Guidelines, 2015. Collection method: clinical testing. Allele origin: germline.
Comment: This variant is classified as likely benign based on ACMG/AMP sequence variant interpretation guidelines (Richards et al. 2015 PMID: 25741868, with internal and published modifications).

NM_000787.4(DBH):c.1024+7G>A

Gene: DBH (dopamine beta-hydroxylase; plus strand). Cytogenetic location: 9q34.2.
Variant type: single nucleotide variant.
Coding change: c.1024+7G>A on transcript NM_000787.4 (MANE Select); 7 bases into the intron after coding-DNA position 1024, G replaced by A.
Molecular consequence: intron variant.
Genome position (GRCh38, 1-based): chr9:133,644,327, G>A. VCF-style: chr9-133644327-G-A. GRCh37 (hg19) VCF-style: chr9-136509449-G-A.
Identifiers: ClinVar variation 4978100 (VCV004978100.1).